The following is an entry in ClinVar:

ClinVar aggregate classification (germline): Pathogenic/Likely pathogenic. Review status: criteria provided, multiple submitters, no conflicts (2 of 4 stars). 9 submissions from 9 submitters: Pathogenic (4); Likely pathogenic (4). 1 of the submissions does not count toward it. Last evaluated 2025-12-01.

Conditions:
Retinal dystrophy. Also called: Inherited retinal dystrophy. Identifiers: Orphanet 71862, MedGen C0854723, MeSH D058499, MONDO:0019118, HP:0000556.
Retinitis pigmentosa 39 (RP39). Identifiers: Orphanet 791, MedGen C3151138, MONDO:0013436, OMIM 613809.
Usher syndrome type 2A. Also called: USHER SYNDROME, TYPE IIA; RETINAL DISEASE IN USHER SYNDROME TYPE IIA, MODIFIER OF. Identifiers: Orphanet 231178, Orphanet 886, MedGen C1848634, MONDO:0010169, OMIM 276901.
Usher syndrome. Also called: Usher Syndromes; Usher's syndrome. Identifiers: Orphanet 886, MedGen CN469326, MeSH D052245, MONDO:0019501. Disease mechanism: loss of function.
USH2A-related disorder. Also called: USH2A-related disorders; USH2A-related condition. Identifiers: MedGen CN239332.

gnomAD v4.1: 6 of 1,613,576 alleles (0.00037%); highest among the groups gnomAD compares: East Asian, 0.0022%; no homozygotes.

Submissions (9):

Labcorp Genetics (formerly Invitae), Labcorp
Classification: Pathogenic. Last evaluated: 2025-12-01. Review status: criteria provided, single submitter. Criteria: Invitae Variant Classification Sherloc (09022015). Collection method: clinical testing. Allele origin: germline.
Comment: This sequence change replaces arginine, which is basic and polar, with cysteine, which is neutral and slightly polar, at codon 464 of the USH2A protein (p.Arg464Cys). This variant is present in population databases (no rsID available, gnomAD 0.0009%). This missense change has been observed in individuals with clinical features of retinitis pigmentosa (PMID: 28559085, 32531858; internal data). ClinVar contains an entry for this variant (Variation ID: 551303). Invitae Evidence Modeling of protein sequence and biophysical properties (such as structural, functional, and spatial information, amino acid conservation, physicochemical variation, residue mobility, and thermodynamic stability) has been performed for this missense variant. However, the output from this modeling did not meet the statistical confidence thresholds required to predict the impact of this variant on USH2A protein function. This variant disrupts the p.Arg464 amino acid residue in USH2A. Other variant(s) that disrupt this residue have been determined to be pathogenic (PMID: 28157192, 30718709). This suggests that this residue is clinically significant, and that variants that disrupt this residue are likely to be disease-causing. For these reasons, this variant has been classified as Pathogenic.

Myriad Genetics, Inc.
Classification: Likely pathogenic for USH2A-related disorder. Last evaluated: 2025-10-22. Review status: criteria provided, single submitter. Criteria: Myriad Autosomal Dominant, Autosomal Recessive and X-Linked Classification Criteria (2023). Collection method: clinical testing. Allele origin: unknown.
Comment: NM_206933.2(USH2A):c.1390C>T(R464C) is a missense variant classified as likely pathogenic in the context of USH2A-related disorders. R464C has been observed in cases with relevant disease (PMID: 15325563, 28559085, 32036094, 32037395, 32531858, 38499336, 40296824). Relevant functional assessments of this variant are not available in the literature. R464C has been observed in referenced population frequency databases. In summary, NM_206933.2(USH2A):c.1390C>T(R464C) is a missense variant that has been observed more frequently in cases with the relevant disease than in healthy populations. Please note: this variant was assessed in the context of healthy population screening.

PreventionGenetics, part of Exact Sciences
Classification: Likely pathogenic for USH2A-related condition. Last evaluated: 2025-09-23. Review status: criteria provided, single submitter. Criteria: ACMG Guidelines, 2015. Collection method: clinical testing. Allele origin: germline.
Comment: The USH2A c.1390C>T variant is predicted to result in the amino acid substitution p.Arg464Cys. This variant has been reported along with an USH2A nonsense variant (Table S1, Weisschuh et al. 2020. PubMed ID: 32531858), along with an USH2A missense variant of uncertain significance (Table S1, Stone et al. 2017. PubMed ID: 28559085), along with an USH2A pathogenic missense variant (Table S2, Zampaglione et al. 2020. PubMed ID: 32037395), and without patient specific information (Seyedahmadi et al. 2004. PubMed ID: 15325563), in individuals from cohort studies of retinal disease. This variant is present in 0.00088% of alleles in individuals of European (Non-Finnish) descent in gnomAD. Given all the evidence, we interpret this variant as likely pathogenic.

Natera, Inc.
Classification: Likely pathogenic for Usher syndrome type 2A. Last evaluated: 2025-07-11. Review status: criteria provided, single submitter. Criteria: Natera Variant Classification Schema (03/2026). Collection method: clinical testing. Allele origin: germline.
Comment: The c.1390C>T variant in USH2A is a missense variant predicted to cause substitution of arginine to cysteine at amino acid 464. This variant is rare in the general population with a frequency below the threshold expected for the associated phenotype(s). This variant has been observed in one or more individuals affected with the associated recessive disease, as either homozygous or compound heterozygous with a second variant (PMID: 32037395, 40296824, 28559085). A different variant at the same position has been determined to be Pathogenic or Likely Pathogenic. Computational prediction algorithms indicate this variant is likely to affect gene or protein function. Given the available evidence, this variant is classified as Likely Pathogenic.

Women's Health and Genetics/Laboratory Corporation of America, LabCorp
Classification: Pathogenic for Usher syndrome. Last evaluated: 2025-06-27. Review status: criteria provided, single submitter. Criteria: LabCorp Variant Classification Summary - May 2015. Collection method: clinical testing. Allele origin: germline.
Comment: Variant summary: USH2A c.1390C>T (p.Arg464Cys) results in a non-conservative amino acid change in the encoded protein sequence. Algorithms developed to predict the effect of missense changes on protein structure and function are either unavailable or do not agree on the potential impact of this missense change. The variant allele was found at a frequency of 4e-06 in 250700 control chromosomes (gnomAD). c.1390C>T has been observed in multiple individuals affected with inherited retinal diseases including retinitis pigmentosa (e.g., Stone_2007, Rodriguez-Munoz_2020, Weisschuh_2020, Zampaglione_2020, Park_2025). These data indicate that the variant is very likely to be associated with disease. The following publications have been ascertained in the context of this evaluation (PMID: 15325563, 28559085, 32531858, 32037395, 40296824, 32036094). ClinVar contains an entry for this variant (Variation ID: 551303). Based on the evidence outlined above, the variant was classified as pathogenic.

Baylor Genetics
Classification: Pathogenic for Retinitis pigmentosa 39. Last evaluated: 2023-11-11. Review status: criteria provided, single submitter. Criteria: ACMG Guidelines, 2015. Collection method: clinical testing. Allele origin: unknown.

Dept Of Ophthalmology, Nagoya University
Classification: Likely pathogenic for Retinal dystrophy. Last evaluated: 2023-10-01. Review status: criteria provided, single submitter. Criteria: Submitter's publication. Collection method: research. Allele origin: germline. Affected: yes.

Blueprint Genetics
Classification: Pathogenic for USH2A-related disorders. Last evaluated: 2020-03-09. Review status: criteria provided, single submitter. Criteria: ACMG Guidelines, 2015. Collection method: clinical testing. Allele origin: germline. Affected: yes. Observed: 2 variant alleles.

Counsyl
Classification: Uncertain significance for Usher syndrome type 2A; Retinitis pigmentosa 39. Last evaluated: 2017-03-29. Review status: flagged submission. Collection method: clinical testing. Allele origin: unknown. Not counted in ClinVar's aggregate classification.
ClinVar note: Reason: Older claim that does not account for recent evidence

Literature cited by the submitters: PubMed 28559085 (cited by 4 submitters); PubMed 32531858 (cited by 3 submitters); PubMed 28157192 (cited by Labcorp Genetics (formerly Invitae), Labcorp); PubMed 30718709 (cited by Labcorp Genetics (formerly Invitae), Labcorp); PubMed 15325563 (cited by 3 submitters); PubMed 32036094 (cited by Myriad Genetics, Inc. and Women's Health and Genetics/Laboratory Corporation of America, LabCorp); PubMed 32037395 (cited by 3 submitters); PubMed 38499336 (cited by Myriad Genetics, Inc.); PubMed 40296824 (cited by 3 submitters).

NM_206933.4(USH2A):c.1390C>T (p.Arg464Cys)

Gene: USH2A (usherin; minus strand). Cytogenetic location: 1q41.
Variant type: single nucleotide variant.
Coding change: c.1390C>T on transcript NM_206933.4 (MANE Select); coding-DNA position 1390, C replaced by T.
Protein change: p.Arg464Cys; replaces arginine 464 with cysteine.
Molecular consequence: missense variant.
Genome position (GRCh38, 1-based): chr1:216,323,634, G>A on the plus strand (C>T on the coding strand, the complement: USH2A is on the minus strand). VCF-style: chr1-216323634-G-A. GRCh37 (hg19) VCF-style: chr1-216496976-G-A.
Other names: c.1390C>T, p.Arg464Cys (NM_007123.6); short protein forms R464C.
Identifiers: ClinVar variation 551303 (VCV000551303.16), dbSNP rs1423536179, ClinGen allele CA344910217.